The following is an entry in ClinVar:

ClinVar aggregate classification (germline): Likely benign. Review status: criteria provided, single submitter (1 of 4 stars). 2 submissions from 2 submitters: Likely benign (1). 1 of the submissions does not count toward it. Last evaluated 2026-01-28.

Conditions:
LRPPRC-related disorder. Also called: LRPPRC-related condition.

Allele frequency attached by ClinVar (database versions not stated): TOPMed below 0.00001; ExAC 0.00001; gnomAD exomes 0.00001.
gnomAD v4.1: 6 of 1,606,144 alleles (0.00037%); highest among the groups gnomAD compares: South Asian, 0.0066%; no homozygotes.

Submissions (2):

Labcorp Genetics (formerly Invitae), Labcorp
Classification: Likely benign. Last evaluated: 2026-01-28. Review status: criteria provided, single submitter. Criteria: Invitae Variant Classification Sherloc (09022015). Collection method: clinical testing. Allele origin: germline.

PreventionGenetics, part of Exact Sciences
Classification: Likely benign for LRPPRC-related condition. Last evaluated: 2020-02-05. Review status: no assertion criteria provided. Collection method: clinical testing. Allele origin: germline. Not counted in ClinVar's aggregate classification.
Comment: This variant is classified as likely benign based on ACMG/AMP sequence variant interpretation guidelines (Richards et al. 2015 PMID: 25741868, with internal and published modifications).

NM_133259.4(LRPPRC):c.540A>C (p.Ser180=)

Gene: LRPPRC (leucine rich pentatricopeptide repeat containing; minus strand). Cytogenetic location: 2p21.
Variant type: single nucleotide variant.
Coding change: c.540A>C on transcript NM_133259.4 (MANE Select); coding-DNA position 540, A replaced by C.
Protein change: p.Ser180=; no amino-acid change (serine 180 retained).
Molecular consequence: synonymous variant.
Genome position (GRCh38, 1-based): chr2:43,977,206, T>G on the plus strand (A>C on the coding strand, the complement: LRPPRC is on the minus strand). VCF-style: chr2-43977206-T-G. GRCh37 (hg19) VCF-style: chr2-44204345-T-G.
Other names: c.540A>C (NM_133259.3).
Identifiers: ClinVar variation 1079954 (VCV001079954.11), dbSNP rs747563477, ClinGen allele CA1639324.